The following is an entry in ClinVar:

ClinVar aggregate classification (germline): Uncertain significance. Review status: criteria provided, multiple submitters, no conflicts (2 of 4 stars). 4 submissions from 4 submitters: Uncertain significance (4). Last evaluated 2024-10-09.

Conditions:
Hereditary diffuse gastric adenocarcinoma (HDGC). Also called: DIFFUSE GASTRIC AND LOBULAR BREAST CANCER SYNDROME. Identifiers: Orphanet 26106, MedGen C1708349, MONDO:0007648, OMIM 137215.
Hereditary cancer-predisposing syndrome. Also called: Tumor predisposition; Hereditary neoplastic syndrome; Neoplastic Syndromes, Hereditary; Hereditary Cancer Syndrome. Identifiers: Orphanet 140162, MedGen C0027672, MeSH D009386, MONDO:0015356.

Submissions (4):

Ambry Genetics
Classification: Uncertain significance for Hereditary cancer-predisposing syndrome. Last evaluated: 2024-10-09. Review status: criteria provided, single submitter. Criteria: Ambry Variant Classification Scheme 2023. Collection method: clinical testing. Allele origin: germline.
Comment: The p.C28Y variant (also known as c.83G>A), located in coding exon 2 of the CDH1 gene, results from a G to A substitution at nucleotide position 83. The cysteine at codon 28 is replaced by tyrosine, an amino acid with highly dissimilar properties. This variant has been reported in individual(s) with a personal and/or family history of breast cancer diagnosed in Belgium (Garcia-Pelaez J et al. Lancet Oncol, 2023 Jan;24:91-106). This amino acid position is highly conserved in available vertebrate species. In addition, this alteration is predicted to be deleterious by in silico analysis. Based on the available evidence, the clinical significance of this variant remains unclear.

GeneDx
Classification: Uncertain significance. Last evaluated: 2023-12-01. Review status: criteria provided, single submitter. Criteria: GeneDx Variant Classification Process June 2021. Collection method: clinical testing. Allele origin: germline. Affected: yes.
Comment: Not observed at significant frequency in large population cohorts (gnomAD); In silico analysis supports that this missense variant has a deleterious effect on protein structure/function; Observed in several unrelated individuals with a personal or family history of breast and other cancers (PMID: 36436516); This variant is associated with the following publications: (PMID: 36436516, 15235021)

Labcorp Genetics (formerly Invitae), Labcorp
Classification: Uncertain significance for Hereditary diffuse gastric adenocarcinoma. Last evaluated: 2023-11-07. Review status: criteria provided, single submitter. Criteria: Invitae Variant Classification Sherloc (09022015). Collection method: clinical testing. Allele origin: germline.
Comment: This sequence change replaces cysteine, which is neutral and slightly polar, with tyrosine, which is neutral and polar, at codon 28 of the CDH1 protein (p.Cys28Tyr). This variant is not present in population databases (gnomAD no frequency). This missense change has been observed in individual(s) with breast and/or ovarian cancer (PMID: 36436516). ClinVar contains an entry for this variant (Variation ID: 2503002). An algorithm developed to predict the effect of missense changes on protein structure and function (PolyPhen-2) suggests that this variant is likely to be disruptive. In summary, the available evidence is currently insufficient to determine the role of this variant in disease. Therefore, it has been classified as a Variant of Uncertain Significance.

European Reference Network on Genetic Tumour Risk Syndromes (ERN-GENTURIS), i3s - Instituto de Investigação e Inovação em Saúde, University of Porto
Classification: Uncertain significance for Hereditary diffuse gastric adenocarcinoma. Last evaluated: 2022-08-01. Review status: criteria provided, single submitter. Criteria: Lee et al. (Hum Mutat. 2018). Collection method: clinical testing. Allele origin: germline. Inheritance: Autosomal dominant inheritance. Affected: no. Study: ERN GENTURIS.
Comment: PM2; BS2_Supporting (PMID: 30311375)

Literature cited by the submitters: PubMed 36436516 (cited by 3 submitters).

NM_004360.5(CDH1):c.83G>A (p.Cys28Tyr)

Gene: CDH1 (cadherin 1; plus strand). Cytogenetic location: 16q22.1.
Variant type: single nucleotide variant.
Coding change: c.83G>A on transcript NM_004360.5 (MANE Select); coding-DNA position 83, G replaced by A.
Protein change: p.Cys28Tyr; replaces cysteine 28 with tyrosine.
Molecular consequence: missense variant. On other transcripts: 5 prime UTR variant (2).
Genome position (GRCh38, 1-based): chr16:68,738,331, G>A. VCF-style: chr16-68738331-G-A. GRCh37 (hg19) VCF-style: chr16-68772234-G-A.
Other names: c.83G>A, p.Cys28Tyr (NM_001317184.2); c.-1533G>A (NM_001317185.2); c.-1737G>A (NM_001317186.2); short protein forms C28Y.
Identifiers: ClinVar variation 2503002 (VCV002503002.6), dbSNP rs2152114382, ClinGen allele CA396451809.